The following is an entry in ClinVar:

NM_176787.5(PIGN):c.323A>G (p.Asp108Gly)

Gene: PIGN (phosphatidylinositol glycan anchor biosynthesis class N; minus strand). Cytogenetic location: 18q21.33.
Variant type: single nucleotide variant.
Coding change: c.323A>G on transcript NM_176787.5 (MANE Select); coding-DNA position 323, A replaced by G.
Protein change: p.Asp108Gly; replaces aspartic acid 108 with glycine.
Molecular consequence: missense variant.
Genome position (GRCh38, 1-based): chr18:62,157,707, T>C on the plus strand (A>G on the coding strand, the complement: PIGN is on the minus strand). VCF-style: chr18-62157707-T-C. GRCh37 (hg19) VCF-style: chr18-59824940-T-C.
Other names: c.323A>G, p.Asp108Gly (NM_012327.6); short protein forms D108G.
Identifiers: ClinVar variation 583223 (VCV000583223.8), dbSNP rs1568240456, ClinGen allele CA402603608.

ClinVar aggregate classification (germline): Uncertain significance (1 of 4 stars; one submission).

Conditions:
Multiple congenital anomalies-hypotonia-seizures syndrome 1 (MCAHS1). Also called: PIGN-CDG; Congenital disorder of glycosylation due to PIGN deficiency; GLYCOSYLPHOSPHATIDYLINOSITOL BIOSYNTHESIS DEFECT 3. Identifiers: Orphanet 280633, MedGen C3279775, MONDO:0013563, OMIM 614080.

Submission:

Labcorp Genetics (formerly Invitae), Labcorp
Classification: Uncertain significance for Multiple congenital anomalies-hypotonia-seizures syndrome 1. Last evaluated: 2018-05-22. Review status: criteria provided, single submitter. Criteria: Invitae Variant Classification Sherloc (09022015). Collection method: clinical testing. Allele origin: germline.
Comment: This sequence change replaces aspartic acid with glycine at codon 108 of the PIGN protein (p.Asp108Gly). The aspartic acid residue is highly conserved and there is a moderate physicochemical difference between aspartic acid and glycine. This variant is not present in population databases (ExAC no frequency). This variant has not been reported in the literature in individuals with PIGN-related disease. Algorithms developed to predict the effect of missense changes on protein structure and function (SIFT, PolyPhen-2, Align-GVGD) all suggest that this variant is likely to be disruptive, but these predictions have not been confirmed by published functional studies and their clinical significance is uncertain. Algorithms developed to predict the effect of sequence changes on RNA splicing suggest that this variant may create or strengthen a splice site, but this prediction has not been confirmed by published transcriptional studies. In summary, the available evidence is currently insufficient to determine the role of this variant in disease. Therefore, it has been classified as a Variant of Uncertain Significance.